The following is an entry in ClinVar:

ClinVar aggregate classification (germline): Uncertain significance (1 of 4 stars; one submission).

Conditions:
EGFR-related lung cancer (EGFR). Identifiers: MedGen CN130014.

Submission:

Labcorp Genetics (formerly Invitae), Labcorp
Classification: Uncertain significance for EGFR-related lung cancer. Last evaluated: 2021-08-02. Review status: criteria provided, single submitter. Criteria: Invitae Variant Classification Sherloc (09022015). Collection method: clinical testing. Allele origin: germline.
Comment: In summary, the available evidence is currently insufficient to determine the role of this variant in disease. Therefore, it has been classified as a Variant of Uncertain Significance. Algorithms developed to predict the effect of missense changes on protein structure and function are either unavailable or do not agree on the potential impact of this missense change (SIFT: "Deleterious"; PolyPhen-2: "Probably Damaging"; Align-GVGD: "Class C0"). This variant has not been reported in the literature in individuals affected with EGFR-related conditions. This variant is not present in population databases (ExAC no frequency). This sequence change replaces serine with cysteine at codon 895 of the EGFR protein (p.Ser895Cys). The serine residue is highly conserved and there is a moderate physicochemical difference between serine and cysteine.

NM_005228.5(EGFR):c.2683A>T (p.Ser895Cys)

Gene: EGFR (epidermal growth factor receptor; plus strand). Cytogenetic location: 7p11.2.
Variant type: single nucleotide variant.
Coding change: c.2683A>T on transcript NM_005228.5 (MANE Select); coding-DNA position 2683, A replaced by T.
Protein change: p.Ser895Cys; replaces serine 895 with cysteine.
Molecular consequence: missense variant.
Genome position (GRCh38, 1-based): chr7:55,192,823, A>T. VCF-style: chr7-55192823-A-T. GRCh37 (hg19) VCF-style: chr7-55260516-A-T.
Other names: c.2548A>T, p.Ser850Cys (NM_001346897.2, NM_001346899.2); c.2683A>T, p.Ser895Cys (NM_001346898.2); c.2524A>T, p.Ser842Cys (NM_001346900.2); c.1882A>T, p.Ser628Cys (NM_001346941.2); short protein forms S628C, S895C, S850C, S842C.
Identifiers: ClinVar variation 1371744 (VCV001371744.6), dbSNP rs2128965585, ClinGen allele CA367580936.